The following is an entry in ClinVar:

ClinVar aggregate classification (germline): Uncertain significance (1 of 4 stars; one submission).

Allele frequency attached by ClinVar (database versions not stated): gnomAD 0.00001; gnomAD exomes 0.00001; TOPMed 0.00001.
gnomAD v4.1: 18 of 1,534,952 alleles (0.0012%); highest among the groups gnomAD compares: Non-Finnish European, 0.0014%; no homozygotes.

Submission:

Labcorp Genetics (formerly Invitae), Labcorp
Classification: Uncertain significance. Last evaluated: 2020-01-21. Review status: criteria provided, single submitter. Criteria: Invitae Variant Classification Sherloc (09022015). Collection method: clinical testing. Allele origin: germline.
Comment: This variant has not been reported in the literature in individuals with BBIP1-related conditions. This sequence change replaces lysine with arginine at codon 85 of the BBIP1 protein (p.Lys85Arg). The lysine residue is weakly conserved and there is a small physicochemical difference between lysine and arginine. The frequency data for this variant in the population databases is considered unreliable, as metrics indicate insufficient coverage at this position in the ExAC database. Algorithms developed to predict the effect of missense changes on protein structure and function are either unavailable or do not agree on the potential impact of this missense change (SIFT: "Tolerated"; PolyPhen-2: "Possibly Damaging"; Align-GVGD: "Class C0"). In summary, the available evidence is currently insufficient to determine the role of this variant in disease. Therefore, it has been classified as a Variant of Uncertain Significance.

NM_001195305.3(BBIP1):c.254A>G (p.Lys85Arg)

Gene: BBIP1 (BBSome interacting protein 1; minus strand). Cytogenetic location: 10q25.2.
Variant type: single nucleotide variant.
Coding change: c.254A>G on transcript NM_001195305.3 (MANE Select); coding-DNA position 254, A replaced by G.
Protein change: p.Lys85Arg; replaces lysine 85 with arginine.
Molecular consequence: missense variant. On other transcripts: 3 prime UTR variant (1).
Genome position (GRCh38, 1-based): chr10:110,900,385, T>C on the plus strand (A>G on the coding strand, the complement: BBIP1 is on the minus strand). VCF-style: chr10-110900385-T-C. GRCh37 (hg19) VCF-style: chr10-112660143-T-C.
Other names: c.*99A>G (NM_001195304.2); c.254A>G, p.Lys85Arg (NM_001195306.2); c.179A>G, p.Lys60Arg (NM_001195307.2); c.188A>G, p.Lys63Arg (NM_001243783.3); short protein forms K60R, K63R, K85R.
Identifiers: ClinVar variation 1001453 (VCV001001453.8), dbSNP rs924597328, ClinGen allele CA213246548.
Genomic context (GRCh38, chr10:110,900,385, plus strand): 5'-AAGGCAGGTTGTTCCCTAAAGTGCTCAGTTATCATTCAGTGGGTTATTTGCCGTTGATCC[T>C]TTTCTGCCATTTCTTGTTGGCGAATTGTATTCTGTGCTGCTTGATGCATTTTCTCTAGTT-3'
Protein context (NP_001182234.1, residues 75-92): NTIRQQEMAE[Lys85Arg]DQRQITH